The following is an entry in ClinVar:

ClinVar aggregate classification (germline): Uncertain significance (1 of 4 stars; one submission).

Conditions:
UBN2-related disorder. Also called: UBN2-related condition.

Allele frequency attached by ClinVar (database versions not stated): TOPMed 0.00001.

Submission:

PreventionGenetics, part of Exact Sciences
Classification: Uncertain significance for UBN2-related condition. Last evaluated: 2023-03-22. Review status: criteria provided, single submitter. Criteria: ACMG Guidelines, 2015. Collection method: clinical testing. Allele origin: germline.
Comment: The UBN2 c.3706C>T variant is predicted to result in the amino acid substitution p.Pro1236Ser. To our knowledge, this variant has not been reported in the literature or in a large population database, indicating this variant is rare. At this time, the clinical significance of this variant is uncertain due to the absence of conclusive functional and genetic evidence.

NM_173569.4(UBN2):c.3706C>T (p.Pro1236Ser)

Gene: UBN2 (ubinuclein 2; plus strand). Cytogenetic location: 7q34.
Variant type: single nucleotide variant.
Coding change: c.3706C>T on transcript NM_173569.4 (MANE Select); coding-DNA position 3706, C replaced by T.
Protein change: p.Pro1236Ser; replaces proline 1236 with serine.
Molecular consequence: missense variant.
Genome position (GRCh38, 1-based): chr7:139,293,268, C>T. VCF-style: chr7-139293268-C-T. GRCh37 (hg19) VCF-style: chr7-138978014-C-T.
Other names: short protein forms P1236S.
Identifiers: ClinVar variation 2633884 (VCV002633884.1), dbSNP rs1798014221, ClinGen allele CA369413080.